The following is an entry in ClinVar:

NM_002691.4(POLD1):c.971-12C>T

Gene: POLD1 (DNA polymerase delta 1, catalytic subunit; plus strand). Cytogenetic location: 19q13.33.
Variant type: single nucleotide variant.
Coding change: c.971-12C>T on transcript NM_002691.4 (MANE Select); 12 bases into the intron before coding-DNA position 971, C replaced by T.
Molecular consequence: intron variant.
Genome position (GRCh38, 1-based): chr19:50,403,041, C>T. VCF-style: chr19-50403041-C-T. GRCh37 (hg19) VCF-style: chr19-50906298-C-T.
Other names: c.971-12C>T (LRG_785t1, LRG_785t2, NM_001256849.1 and 1 more transcripts).
Identifiers: ClinVar variation 380635 (VCV000380635.24), dbSNP rs1673044, ClinGen allele CA9595993.

ClinVar aggregate classification (germline): Benign. Review status: criteria provided, multiple submitters, no conflicts (2 of 4 stars). 12 submissions from 12 submitters: Benign (9). 3 of the submissions do not count toward it. Last evaluated 2026-02-04.

Conditions:
Hereditary cancer-predisposing syndrome. Also called: Neoplastic Syndromes, Hereditary; Hereditary neoplastic syndrome; Hereditary Cancer Syndrome; Tumor predisposition. Identifiers: Orphanet 140162, MedGen C0027672, MeSH D009386, MONDO:0015356.
Carcinoma of colon (CRC). Also called: Colon carcinoma; Colonic carcinoma. Identifiers: MedGen C0699790, MONDO:0002032.
POLD1-related polyposis and colorectal cancer syndrome (CRCS10). Also called: Colorectal cancer, susceptibility to, 10; Colorectal cancer 10; COLORECTAL CANCER, SUSCEPTIBILITY TO, ON CHROMOSOME 19q. Identifiers: Orphanet 220460, MedGen C2675481, MONDO:0012953, OMIM 612591.

Allele frequency attached by ClinVar (database versions not stated): gnomAD exomes 0.00814; ExAC 0.01688; gnomAD 0.03328 and 0.03582; ESP Exome Variant Server 0.03367; 1000 Genomes Project 0.03534; 1000 Genomes Project 30x 0.03795; TOPMed 0.03807.

Submissions (12):

Labcorp Genetics (formerly Invitae), Labcorp
Classification: Benign for POLD1-related polyposis and colorectal cancer syndrome. Last evaluated: 2026-02-04. Review status: criteria provided, single submitter. Criteria: Invitae Variant Classification Sherloc (09022015). Collection method: clinical testing. Allele origin: germline.

Women's Health and Genetics/Laboratory Corporation of America, LabCorp
Classification: Benign. Last evaluated: 2026-01-22. Review status: criteria provided, single submitter. Criteria: LabCorp Variant Classification Summary - May 2015. Collection method: clinical testing. Allele origin: germline.

Center for Genomic Medicine, Rigshospitalet, Copenhagen University Hospital
Classification: Benign. Last evaluated: 2025-03-04. Review status: criteria provided, single submitter. Criteria: ACMG Guidelines, 2015. Collection method: clinical testing. Allele origin: germline.

Myriad Genetics, Inc.
Classification: Benign for POLD1-related polyposis and colorectal cancer syndrome. Last evaluated: 2024-03-27. Review status: criteria provided, single submitter. Criteria: Myriad Autosomal Dominant, Autosomal Recessive and X-Linked Classification Criteria (2023). Collection method: clinical testing. Allele origin: unknown.
Comment: This variant is considered benign. This variant is intronic and is not expected to impact mRNA splicing. This variant has been observed at a population frequency that is significantly greater than expected given the associated disease prevalence and penetrance.

KCCC/NGS Laboratory, Kuwait Cancer Control Center
Classification: Benign for POLD1-related polyposis and colorectal cancer syndrome. Last evaluated: 2023-07-07. Review status: criteria provided, single submitter. Criteria: ACMG Guidelines, 2015. Collection method: clinical testing. Allele origin: germline. Affected: yes.

PreventionGenetics, part of Exact Sciences
Classification: Benign. Last evaluated: 2016-12-06. Review status: criteria provided, single submitter. Criteria: ACMG Guidelines, 2015. Collection method: clinical testing. Allele origin: germline.

GeneDx
Classification: Benign. Last evaluated: 2015-11-13. Review status: criteria provided, single submitter. Criteria: GeneDx Variant Classification (06012015). Collection method: clinical testing. Allele origin: germline. Affected: yes.
Comment: This variant is considered likely benign or benign based on one or more of the following criteria: it is a conservative change, it occurs at a poorly conserved position in the protein, it is predicted to be benign by multiple in silico algorithms, and/or has population frequency not consistent with disease.

Ambry Genetics
Classification: Benign for Hereditary cancer-predisposing syndrome. Last evaluated: 2015-05-21. Review status: criteria provided, single submitter. Criteria: Ambry Variant Classification Scheme 2023. Collection method: clinical testing. Allele origin: germline.

Breakthrough Genomics
Classification: Benign. Review status: criteria provided, single submitter. Criteria: ACMG Guidelines, 2015. Collection method: not provided. Allele origin: germline. Inheritance: Autosomal dominant inheritance. Affected: yes.

Clinical Genetics, Academic Medical Center
Classification: Benign. Review status: no assertion criteria provided. Collection method: clinical testing. Allele origin: germline. Affected: yes. Study: VKGL Data-share Consensus. Not counted in ClinVar's aggregate classification.

Department of Pathology and Laboratory Medicine, Sinai Health System
Classification: Benign for Carcinoma of colon. Review status: no assertion criteria provided. Collection method: clinical testing. Allele origin: unknown. Affected: yes. Study: The Canadian Open Genetics Repository (COGR). Not counted in ClinVar's aggregate classification.
Comment: The POLD1 c.971-12C>T variant was identified in dbSNP (ID: rs1673044) â€šÃ„ÃºWith Benign alleleâ€šÃ„Ã¹, ClinVar (classified benign by GeneDx), and in control databases in 2164 (125 homozygous) of 181834 chromosomes at a frequency of 0.01 increasing the likelihood this could be a low frequency benign variant (Genome Aggregation Database Feb 27, 2017). Breakdown of the observations by population include African in 1920 (124 homozygous) of 16668 chromosomes (freq: 0.12), Other in 23 of 4858 chromosomes (freq: 0.005), Latino in 194 (1 homozygous) of 25214 chromosomes (freq: 0.008), European Non-Finnish in 24 of 72526 chromosomes (freq: 0.0003), Ashkenazi Jewish in 1 of 8564 chromosomes (freq: 0.0001), and South Asian in 2 of 23094 chromosomes (freq: 0.00009), while not observed in the East Asian and European Finnish populations. The c.971-12C>T variant is located in the 3' splice region but does not affect the invariant -1 and -2 positions. Positions -3 and -5 to -12 are part of the splicing consensus sequence and variants involving these positions sometimes affect splicing; however, in silico or computational prediction software programs (SpliceSiteFinder, MaxEntScan, NNSPLICE, GeneSplicer, HumanSpliceFinder) do not predict a difference in splicing for c.971-12C>T. In summary, based on the above information this variant meets our laboratory's criteria to be classified as benign.

Genome Diagnostics Laboratory, Amsterdam University Medical Center
Classification: Benign. Review status: no assertion criteria provided. Collection method: clinical testing. Allele origin: germline. Affected: yes. Study: VKGL Data-share Consensus. Not counted in ClinVar's aggregate classification.